The following is an entry in ClinVar:

NM_005585.5(SMAD6):c.673del (p.Leu225fs)

Gene: SMAD6 (SMAD family member 6; plus strand). Cytogenetic location: 15q22.31.
Variant type: Deletion.
Coding change: c.673del on transcript NM_005585.5 (MANE Select); coding-DNA position 673, one base deleted (C; older notation c.673delC).
Protein change: p.Leu225fs; shifts the reading frame from leucine 225.
Molecular consequence: frameshift variant. On other transcripts: non-coding transcript variant (1).
Genome position (GRCh38, 1-based): chr15:66,703,931, C deleted. VCF-style (leftmost placement, unchanged base first): chr15-66703930-GC-G. GRCh37 (hg19) VCF-style: chr15-66996268-GC-G.
Other names: short protein forms L225fs.
Identifiers: ClinVar variation 1318671 (VCV001318671.2), dbSNP rs2140582339, ClinGen allele CA2573054077.

ClinVar aggregate classification (germline): Uncertain significance (1 of 4 stars; one submission).

Submission:

GeneDx
Classification: Uncertain significance. Last evaluated: 2019-07-03. Review status: criteria provided, single submitter. Criteria: GeneDx Variant Classification Process June 2021. Collection method: clinical testing. Allele origin: germline. Affected: yes.
Comment: Not observed at a significant frequency in large population cohorts (Lek et al., 2016); Frameshift variant predicted to result in protein truncation or nonsense mediated decay in a gene for which loss-of-function is not a known mechanism of disease; Has not been previously published as pathogenic or benign to our knowledge